The following is an entry in ClinVar:

ClinVar aggregate classification (germline): Uncertain significance (0 of 4 stars; one submission).

Conditions:
EPHB4-related disorder. Also called: EPHB4-related condition; EPHB4-related disorders.

Submission:

PreventionGenetics, part of Exact Sciences
Classification: Uncertain significance for EPHB4-related condition. Last evaluated: 2024-05-24. Review status: no assertion criteria provided. Collection method: clinical testing. Allele origin: germline.
Comment: The EPHB4 c.1072G>C variant is predicted to result in the amino acid substitution p.Ala358Pro. To our knowledge, this variant has not been reported in the literature or in a large population database, indicating this variant is rare. At this time, the clinical significance of this variant is uncertain due to the absence of conclusive functional and genetic evidence.

NM_004444.5(EPHB4):c.1072G>C (p.Ala358Pro)

Gene: EPHB4 (EPH receptor B4; minus strand). Cytogenetic location: 7q22.1.
Variant type: single nucleotide variant.
Coding change: c.1072G>C on transcript NM_004444.5 (MANE Select); coding-DNA position 1072, G replaced by C.
Protein change: p.Ala358Pro; replaces alanine 358 with proline.
Molecular consequence: missense variant.
Genome position (GRCh38, 1-based): chr7:100,819,782, C>G on the plus strand (G>C on the coding strand, the complement: EPHB4 is on the minus strand). VCF-style: chr7-100819782-C-G. GRCh37 (hg19) VCF-style: chr7-100417404-C-G.
Other names: short protein forms A358P.
Identifiers: ClinVar variation 3346419 (VCV003346419.1).